The following is an entry in ClinVar:

ClinVar aggregate classification (germline): Uncertain significance (1 of 4 stars; one submission).

Allele frequency attached by ClinVar (database versions not stated): gnomAD exomes below 0.00001 and 0.00002; ExAC 0.00001; TOPMed 0.00001.
gnomAD v4.1: 29 of 1,613,802 alleles (0.0018%); highest among the groups gnomAD compares: Non-Finnish European, 0.0025%; no homozygotes.

Submission:

Labcorp Genetics (formerly Invitae), Labcorp
Classification: Uncertain significance. Last evaluated: 2023-08-10. Review status: criteria provided, single submitter. Criteria: Invitae Variant Classification Sherloc (09022015). Collection method: clinical testing. Allele origin: germline.
Comment: In summary, the available evidence is currently insufficient to determine the role of this variant in disease. Therefore, it has been classified as a Variant of Uncertain Significance. An algorithm developed to predict the effect of missense changes on protein structure and function (PolyPhen-2) suggests that this variant is likely to be disruptive. ClinVar contains an entry for this variant (Variation ID: 1524793). This variant has not been reported in the literature in individuals affected with IL23R-related conditions. This variant is present in population databases (rs775580555, gnomAD 0.002%). This sequence change replaces aspartic acid, which is acidic and polar, with histidine, which is basic and polar, at codon 462 of the IL23R protein (p.Asp462His).

NM_144701.3(IL23R):c.1384G>C (p.Asp462His)

Gene: IL23R (interleukin 23 receptor; plus strand). Cytogenetic location: 1p31.3.
Variant type: single nucleotide variant.
Coding change: c.1384G>C on transcript NM_144701.3 (MANE Select); coding-DNA position 1384, G replaced by C.
Protein change: p.Asp462His; replaces aspartic acid 462 with histidine.
Molecular consequence: missense variant.
Genome position (GRCh38, 1-based): chr1:67,258,622, G>C. VCF-style: chr1-67258622-G-C. GRCh37 (hg19) VCF-style: chr1-67724305-G-C.
Other names: short protein forms D462H.
Identifiers: ClinVar variation 1524793 (VCV001524793.6), dbSNP rs775580555, ClinGen allele CA900005.